The following is an entry in ClinVar:

NM_003793.4(CTSF):c.1321C>T (p.Arg441Cys)

Gene: CTSF (cathepsin F; minus strand). Cytogenetic location: 11q13.2.
Variant type: single nucleotide variant.
Coding change: c.1321C>T on transcript NM_003793.4 (MANE Select); coding-DNA position 1321, C replaced by T.
Protein change: p.Arg441Cys; replaces arginine 441 with cysteine.
Molecular consequence: missense variant.
Genome position (GRCh38, 1-based): chr11:66,564,558, G>A on the plus strand (C>T on the coding strand, the complement: CTSF is on the minus strand). VCF-style: chr11-66564558-G-A. GRCh37 (hg19) VCF-style: chr11-66332029-G-A.
Other names: short protein forms R441C.
Identifiers: ClinVar variation 724103 (VCV000724103.13), dbSNP rs150922871, ClinGen allele CA6125241.

ClinVar aggregate classification (germline): Conflicting classifications of pathogenicity. Review status: criteria provided, conflicting classifications (1 of 4 stars). 3 submissions from 3 submitters: Uncertain significance (1); Benign (1); Likely benign (1). Last evaluated 2025-06-04.

Conditions:
Neuronal ceroid lipofuscinosis 13 (CLN13). Also called: CEROID LIPOFUSCINOSIS, NEURONAL, 13 (KUFS TYPE); CLN13 Disease. Identifiers: Orphanet 352709, Orphanet 79262, MedGen C3715049, MONDO:0014147, OMIM 615362.

Allele frequency attached by ClinVar (database versions not stated): TOPMed 0.00018; ESP Exome Variant Server 0.00039; 1000 Genomes Project 30x 0.00062; 1000 Genomes Project 0.00080; gnomAD 0.00167 and 0.00177; gnomAD exomes 0.00194; ExAC 0.00212.
gnomAD v4.1: 1,313 of 1,553,022 alleles (0.085%); highest among the groups gnomAD compares: East Asian, 0.039%; 11 homozygotes.

Submissions (3):

GeneDx
Classification: Uncertain significance. Last evaluated: 2025-06-04. Review status: criteria provided, single submitter. Criteria: GeneDx Variant Classification Process June 2021. Collection method: clinical testing. Allele origin: germline. Affected: yes.
Comment: In silico analysis supports that this missense variant has a deleterious effect on protein structure/function; Has not been previously published as pathogenic or benign to our knowledge

Labcorp Genetics (formerly Invitae), Labcorp
Classification: Benign for Neuronal ceroid lipofuscinosis 13. Last evaluated: 2025-03-31. Review status: criteria provided, single submitter. Criteria: Invitae Variant Classification Sherloc (09022015). Collection method: clinical testing. Allele origin: germline.

Blueprint Genetics
Classification: Likely benign. Last evaluated: 2024-11-08. Review status: criteria provided, single submitter. Criteria: ACMG Guidelines, 2015. Collection method: clinical testing. Allele origin: germline.